The following is an entry in ClinVar:

NM_172107.4(KCNQ2):c.1118+5C>T

Gene: KCNQ2 (potassium voltage-gated channel subfamily Q member 2; minus strand). Cytogenetic location: 20q13.33.
Variant type: single nucleotide variant.
Coding change: c.1118+5C>T on transcript NM_172107.4 (MANE Select); 5 bases into the intron after coding-DNA position 1118, C replaced by T.
Molecular consequence: intron variant. On other transcripts: missense variant (1).
Genome position (GRCh38, 1-based): chr20:63,433,804, G>A on the plus strand (C>T on the coding strand, the complement: KCNQ2 is on the minus strand). VCF-style: chr20-63433804-G-A. GRCh37 (hg19) VCF-style: chr20-62065157-G-A.
Other names: c.1123C>T, p.Arg375Cys (NM_172109.3); c.1118+5C>T (NM_004518.6, NM_172108.5, NM_172106.3); short protein forms R375C.
Identifiers: ClinVar variation 840062 (VCV000840062.10), dbSNP rs903746022, ClinGen allele CA317452048.

ClinVar aggregate classification (germline): Uncertain significance (1 of 4 stars; one submission).

Conditions:
Early-infantile DEE. Also called: Ohtahara syndrome; Early infantile epileptic encephalopathy with suppression bursts; Early infantile epileptic encephalopathy. Identifiers: Orphanet 1934, MedGen C0393706, MONDO:0800491.

Allele frequency attached by ClinVar (database versions not stated): gnomAD 0.00001; gnomAD exomes 0.00001 and 0.00002; TOPMed 0.00001.
gnomAD v4.1: 10 of 1,613,866 alleles (0.00062%); highest among the groups gnomAD compares: Admixed American, 0.0033%; no homozygotes.

Submission:

Labcorp Genetics (formerly Invitae), Labcorp
Classification: Uncertain significance for Early-infantile DEE. Last evaluated: 2025-07-07. Review status: criteria provided, single submitter. Criteria: Invitae Variant Classification Sherloc (09022015). Collection method: clinical testing. Allele origin: germline.
Comment: This sequence change falls in intron 8 of the KCNQ2 gene. It does not directly change the encoded amino acid sequence of the KCNQ2 protein. It affects a nucleotide within the consensus splice site. This variant is present in population databases (no rsID available, gnomAD 0.006%). This variant has not been reported in the literature in individuals affected with KCNQ2-related conditions. ClinVar contains an entry for this variant (Variation ID: 840062). Variants that disrupt the consensus splice site are a relatively common cause of aberrant splicing (PMID: 17576681, 9536098). Algorithms developed to predict the effect of sequence changes on RNA splicing suggest that this variant is not likely to affect RNA splicing. In summary, the available evidence is currently insufficient to determine the role of this variant in disease. Therefore, it has been classified as a Variant of Uncertain Significance.

Literature cited by the submitters: PubMed 17576681; PubMed 9536098.